The following is an entry in ClinVar:

NM_001430.5(EPAS1):c.469A>G (p.Lys157Glu)

Genes: EPAS1 (endothelial PAS domain protein 1; plus strand), LOC126806210 (BRD4-independent group 4 enhancer GRCh37_chr2:46587586-46588785; plus strand). Cytogenetic location: 2p21.
Variant type: single nucleotide variant.
Coding change: c.469A>G on transcript NM_001430.5 (MANE Select); coding-DNA position 469, A replaced by G.
Protein change: p.Lys157Glu; replaces lysine 157 with glutamic acid.
Molecular consequence: missense variant.
Genome position (GRCh38, 1-based): chr2:46,360,652, A>G. VCF-style: chr2-46360652-A-G. GRCh37 (hg19) VCF-style: chr2-46587791-A-G.
Other names: short protein forms K157E.
Identifiers: ClinVar variation 3221657 (VCV003221657.1), dbSNP rs1170479651, ClinGen allele CA346698942.
Genomic context (GRCh38, chr2:46,360,652, plus strand): 5'-ATATAAAACTGACTTCAGCTGGTTCTTCCCATCCTTCCACATCCAGGCTCTGGTTTTGGG[A>G]AAAAAAGCAAAGACATGTCCACAGAGCGGGACTTCTTCATGAGGATGAAGTGCACGGTCA-3'
Protein context (NP_001421.2, residues 147-167): LSLKNGSGFG[Lys157Glu]KSKDMSTERD

ClinVar aggregate classification (germline): Uncertain significance (1 of 4 stars; one submission).

Conditions:
Inborn genetic diseases. Identifiers: MedGen C0950123, MeSH D030342.

Allele frequency attached by ClinVar (database versions not stated): gnomAD exomes 0.00001; TOPMed 0.00001; gnomAD 0.00002; 1000 Genomes Project 30x 0.00016.
gnomAD v4.1: 14 of 1,613,730 alleles (0.00087%); highest among the groups gnomAD compares: African/African-American, 0.0067%; no homozygotes.

Submission:

Ambry Genetics
Classification: Uncertain significance for Inborn genetic diseases. Last evaluated: 2023-01-05. Review status: criteria provided, single submitter. Criteria: Ambry Variant Classification Scheme 2023. Collection method: clinical testing. Allele origin: germline.
Comment: The p.K157E variant (also known as c.469A>G), located in coding exon 5 of the EPAS1 gene, results from an A to G substitution at nucleotide position 469. The lysine at codon 157 is replaced by glutamic acid, an amino acid with similar properties. This amino acid position is conserved. In addition, the in silico prediction for this alteration is inconclusive. Since supporting evidence is limited at this time, the clinical significance of this alteration remains unclear.